The following is an entry in ClinVar:

NM_000363.5(TNNI3):c.282+16_282+17delinsTT

Gene: TNNI3 (troponin I3, cardiac type; minus strand). Cytogenetic location: 19q13.42.
Variant type: Indel.
Coding change: c.282+16_282+17delinsTT on transcript NM_000363.5 (MANE Select); bases 16 to 17 of the intron after coding-DNA position 282, GA replaced by TT.
Molecular consequence: intron variant.
Genome position (GRCh38, 1-based): chr19:55,156,184-55,156,185, TC replaced by AA on the plus strand (GA replaced by TT on the coding strand, the reverse complement: TNNI3 is on the minus strand). VCF-style: chr19-55156184-TC-AA. GRCh37 (hg19) VCF-style: chr19-55667552-TC-AA.
Other names: c.282+16_282+17delGAinsTT (LRG_432t1, NM_000363.4).
Identifiers: ClinVar variation 515499 (VCV000515499.9), dbSNP rs1555864004, ClinGen allele CA658799314.
Genomic context (GRCh38, chr19:55,156,184, plus strand): 5'-TCCCGAGCAGAAGAGGGGATAGAGGCTGTACTGCTGAATTCCGGGACTAGAAACCTCGCA[TC>AA]CTTGGGAGCCGGTACCTGCAGCTCCGCGAAGCCCAGCCCGGCCAACTCCAGCGGCTGGCA-3'

ClinVar aggregate classification (germline): Benign/Likely benign. Review status: criteria provided, multiple submitters, no conflicts (2 of 4 stars). 3 submissions from 3 submitters: Benign (1); Likely benign (2). Last evaluated 2026-01-11.

Conditions:
Hypertrophic cardiomyopathy. Also called: HYPERTROPHIC MYOCARDIOPATHY. Identifiers: Orphanet 217569, MedGen C0007194, MeSH D002312, MONDO:0005045, HP:0001639.

Submissions (3):

Labcorp Genetics (formerly Invitae), Labcorp
Classification: Likely benign for Hypertrophic cardiomyopathy. Last evaluated: 2026-01-11. Review status: criteria provided, single submitter. Criteria: Invitae Variant Classification Sherloc (09022015). Collection method: clinical testing. Allele origin: germline.

Women's Health and Genetics/Laboratory Corporation of America, LabCorp
Classification: Benign. Last evaluated: 2022-10-31. Review status: criteria provided, single submitter. Criteria: LabCorp Variant Classification Summary - May 2015. Collection method: clinical testing. Allele origin: germline.
Comment: Variant summary: TNNI3 c.282+16_282+17delinsTT alters a nucleotide located close to a canonical splice site and therefore could affect mRNA splicing, leading to a significantly altered protein sequence. 4/4 computational tools predict no significant impact on normal splicing. However, these predictions have yet to be confirmed by functional studies. The variant allele was found at a frequency of 0.00013 in 150826 control chromosomes, reported as two variants: 19-55156184-T-A and 19-55156185-C-A both found in 20 individuals in the gnomAD database (v3.1). Found predominantly at a frequency of 0.00044 within the African or African-American subpopulation in gnomAD, the observed variant frequency within these control individuals is approximately 3.5 fold of the estimated maximal expected allele frequency for a pathogenic variant in TNNI3 causing Cardiomyopathy phenotype (0.00044 vs 0.00013), strongly suggesting that the variant is a benign polymorphism found primarily in populations of African or African-American origin. To our knowledge, no occurrence of c.282+16_282+17delinsTT in individuals affected with Cardiomyopathy and no experimental evidence demonstrating its impact on protein function have been reported. Two clinical diagnostic laboratories have submitted clinical-significance assessments for this variant to ClinVar after 2014 without evidence for independent evaluation. All laboratories classified the variant as likely benign. Based on the evidence outlined above, the variant was classified as benign.

GeneDx
Classification: Likely benign. Last evaluated: 2018-02-22. Review status: criteria provided, single submitter. Criteria: GeneDx Variant Classification (06012015). Collection method: clinical testing. Allele origin: germline. Affected: yes.
Comment: This variant is considered likely benign or benign based on one or more of the following criteria: it is a conservative change, it occurs at a poorly conserved position in the protein, it is predicted to be benign by multiple in silico algorithms, and/or has population frequency not consistent with disease.